The following is an entry in ClinVar:

ClinVar aggregate classification (germline): Uncertain significance (1 of 4 stars; one submission).

Submission:

Labcorp Genetics (formerly Invitae), Labcorp
Classification: Uncertain significance. Last evaluated: 2024-12-07. Review status: criteria provided, single submitter. Criteria: Invitae Variant Classification Sherloc (09022015). Collection method: clinical testing. Allele origin: germline.
Comment: This sequence change replaces glutamic acid, which is acidic and polar, with valine, which is neutral and non-polar, at codon 203 of the CETP protein (p.Glu203Val). This variant is not present in population databases (gnomAD no frequency). This variant has not been reported in the literature in individuals affected with CETP-related conditions. Invitae Evidence Modeling of protein sequence and biophysical properties (such as structural, functional, and spatial information, amino acid conservation, physicochemical variation, residue mobility, and thermodynamic stability) indicates that this missense variant is expected to disrupt CETP protein function with a positive predictive value of 80%. In summary, the available evidence is currently insufficient to determine the role of this variant in disease. Therefore, it has been classified as a Variant of Uncertain Significance.

NM_000078.3(CETP):c.608A>T (p.Glu203Val)

Genes: CETP (cholesteryl ester transfer protein; plus strand), LOC130059064 (ATAC-STARR-seq lymphoblastoid active region 10867; plus strand). Cytogenetic location: 16q13.
Variant type: single nucleotide variant.
Coding change: c.608A>T on transcript NM_000078.3 (MANE Select); coding-DNA position 608, A replaced by T.
Protein change: p.Glu203Val; replaces glutamic acid 203 with valine.
Molecular consequence: missense variant.
Genome position (GRCh38, 1-based): chr16:56,971,331, A>T. VCF-style: chr16-56971331-A-T. GRCh37 (hg19) VCF-style: chr16-57005243-A-T.
Other names: c.608A>T, p.Glu203Val (NM_001286085.2); short protein forms E203V.
Identifiers: ClinVar variation 3666394 (VCV003666394.2).